The following is an entry in ClinVar:

NM_032888.4(COL27A1):c.3689_3690del (p.Pro1230fs)

Gene: COL27A1 (collagen type XXVII alpha 1 chain; plus strand). Cytogenetic location: 9q32.
Variant type: Deletion.
Coding change: c.3689_3690del on transcript NM_032888.4 (MANE Select); coding-DNA positions 3689 to 3690, 2 bases deleted (CC; older notation c.3689_3690delCC).
Protein change: p.Pro1230fs; shifts the reading frame from proline 1230.
Molecular consequence: frameshift variant.
Genome position (GRCh38, 1-based): chr9:114,275,740-114,275,741, CC deleted; deleting any 2 consecutive bases within chr9:114,275,736-114,275,741 gives the same sequence; the c. name uses the placement nearest the transcript's 3' end. VCF-style (leftmost placement, unchanged base first): chr9-114275735-GCC-G. GRCh37 (hg19) VCF-style: chr9-117038015-GCC-G.
Other names: short protein forms P1230fs.
Identifiers: ClinVar variation 3641999 (VCV003641999.2).

ClinVar aggregate classification (germline): Pathogenic (1 of 4 stars; one submission).

Submission:

Labcorp Genetics (formerly Invitae), Labcorp
Classification: Pathogenic. Last evaluated: 2024-04-16. Review status: criteria provided, single submitter. Criteria: Invitae Variant Classification Sherloc (09022015). Collection method: clinical testing. Allele origin: germline.
Comment: This sequence change creates a premature translational stop signal (p.Pro1230Argfs*12) in the COL27A1 gene. It is expected to result in an absent or disrupted protein product. Loss-of-function variants in COL27A1 are known to be pathogenic (PMID: 24986830, 28276056). This variant is not present in population databases (gnomAD no frequency). This variant has not been reported in the literature in individuals affected with COL27A1-related conditions. For these reasons, this variant has been classified as Pathogenic.

Literature cited by the submitters: PubMed 24986830; PubMed 28276056.